The following is an entry in ClinVar:

ClinVar aggregate classification (germline): Likely pathogenic. Review status: criteria provided, multiple submitters, no conflicts (2 of 4 stars). 2 submissions from 2 submitters: Likely pathogenic (2). Last evaluated 2026-06-06.

Conditions:
Medium-chain acyl-coenzyme A dehydrogenase deficiency (ACADMD). Also called: MCAD Deficiency; ACADM DEFICIENCY; CARNITINE DEFICIENCY SECONDARY TO MEDIUM-CHAIN ACYL-CoA DEHYDROGENASE DEFICIENCY; MCADH DEFICIENCY; MCADD; Medium chain acyl-CoA dehydrogenase deficiency. Identifiers: Orphanet 42, MedGen C0220710, MONDO:0008721, OMIM 201450.

Allele frequency attached by ClinVar (database versions not stated): gnomAD exomes below 0.00001.
gnomAD v4.1: 1 of 1,614,046 alleles (0.000062%); highest among the groups gnomAD compares: Non-Finnish European, 0.000085%; no homozygotes.

Submissions (2):

Diagnosis and Treatment Center for Children, The Affiliated Hospital of Changchun University of Chinese Medicine
Classification: Likely pathogenic for Medium-chain acyl-coenzyme A dehydrogenase deficiency. Last evaluated: 2026-06-06. Review status: criteria provided, single submitter. Criteria: ACMG Guidelines, 2015. Collection method: curation. Allele origin: germline. Inheritance: Autosomal recessive inheritance. Affected: yes. Observed: 1 variant allele, 1 heterozygote.
Comment: Variant: NM_000016.6(ACADM):c.166G>C (p.Gly56Arg) Variant Type: Missense Condition: Medium-chain acyl-CoA dehydrogenase (MCAD) deficiency Classification: Pathogenic / Likely Pathogenic ACMG/AMP Criteria: PM2 (Moderate): Absent from controls (or at extremely low frequency if recessive) in Exome Sequencing Project, 1000 Genomes, or ExAC. The variant is absent or has a very low frequency in large population databases such as gnomAD. PP3 (Supporting): Multiple lines of computational evidence support a deleterious effect on the gene or gene product. In silico tools (e.g., PolyPhen-2, SIFT) predict a deleterious effect on the protein structure. PS4 (Strong): The prevalence of the variant in affected individuals is significantly increased compared to the prevalence in controls. This variant has been reported in a patient with MCAD deficiency (PMID: 18478588). The patient was found to have an apparent homozygous missense mutation, but only the mother was a carrier, indicating the variant is in trans with a large deletion on the other allele. Summary of Evidence: This missense variant is located in the ACADM gene. It is absent from large population databases (PM2) and predicted to be damaging by multiple in silico tools (PP3). It has been reported in a patient with biochemical and clinical features consistent with MCAD deficiency (PMID: 18478588) (PS4). The patient was found to have an apparent homozygous c.166G>C variant; however, only the mother was a carrier, and further investigation revealed a 15.5 Mb interstitial deletion of 1p22.2p31.1 on the other allele, which encompasses the ACADM locus. Based on the ACMG/AMP guidelines, we classify this variant as Pathogenic. Note: This submission represents a literature-based curation of variant data reported in PMID: 18478588. The submitting organization did not perform the clinical testing; the data was extracted from the peer-reviewed publication.

Labcorp Genetics (formerly Invitae), Labcorp
Classification: Likely pathogenic for Medium-chain acyl-coenzyme A dehydrogenase deficiency. Last evaluated: 2023-12-09. Review status: criteria provided, single submitter. Criteria: Invitae Variant Classification Sherloc (09022015). Collection method: clinical testing. Allele origin: germline.
Comment: This sequence change replaces alanine, which is neutral and non-polar, with proline, which is neutral and non-polar, at codon 56 of the ACADM protein (p.Ala56Pro). This variant is present in population databases (no rsID available, gnomAD 0.0009%). This missense change has been observed in individual(s) with medium-chain acyl-coenzyme A dehydrogenase deficiency (PMID: 18241067, 18478588). In at least one individual the data is consistent with being in trans (on the opposite chromosome) from a pathogenic variant. Advanced modeling of protein sequence and biophysical properties (such as structural, functional, and spatial information, amino acid conservation, physicochemical variation, residue mobility, and thermodynamic stability) performed at Invitae indicates that this missense variant is expected to disrupt ACADM protein function with a positive predictive value of 80%. In summary, the currently available evidence indicates that the variant is pathogenic, but additional data are needed to prove that conclusively. Therefore, this variant has been classified as Likely Pathogenic.

Literature cited by the submitters: PubMed 18478588 (cited by Diagnosis and Treatment Center for Children, The Affiliated Hospital of Changchun University of Chinese Medicine and Labcorp Genetics (formerly Invitae), Labcorp); PubMed 18241067 (cited by Labcorp Genetics (formerly Invitae), Labcorp).

NM_000016.6(ACADM):c.166G>C (p.Ala56Pro)

Gene: ACADM (acyl-CoA dehydrogenase medium chain; plus strand). Cytogenetic location: 1p31.1.
Variant type: single nucleotide variant.
Coding change: c.166G>C on transcript NM_000016.6 (MANE Select); coding-DNA position 166, G replaced by C.
Protein change: p.Ala56Pro; replaces alanine 56 with proline.
Molecular consequence: missense variant. On other transcripts: 5 prime UTR variant (1).
Genome position (GRCh38, 1-based): chr1:75,732,691, G>C. VCF-style: chr1-75732691-G-C. GRCh37 (hg19) VCF-style: chr1-76198376-G-C.
Other names: c.178G>C, p.Ala60Pro (NM_001127328.3); c.58G>C, p.Ala20Pro (NM_001286042.2); c.166G>C, p.Ala56Pro (NM_001286043.2); c.-220G>C (NM_001286044.2); short protein forms A56P, A60P, A20P.
Identifiers: ClinVar variation 2733905 (VCV002733905.4), dbSNP rs1424560976, ClinGen allele CA340809346.